The following is an entry in ClinVar:

NM_000540.3(RYR1):c.1006C>T (p.Pro336Ser)

Gene: RYR1 (ryanodine receptor 1; plus strand). Cytogenetic location: 19q13.2.
Variant type: single nucleotide variant.
Coding change: c.1006C>T on transcript NM_000540.3 (MANE Select); coding-DNA position 1006, C replaced by T.
Protein change: p.Pro336Ser; replaces proline 336 with serine.
Molecular consequence: missense variant.
Genome position (GRCh38, 1-based): chr19:38,448,697, C>T. VCF-style: chr19-38448697-C-T. GRCh37 (hg19) VCF-style: chr19-38939337-C-T.
Other names: c.1006C>T, p.Pro336Ser (NM_001042723.2); short protein forms P336S.
Identifiers: ClinVar variation 2547220 (VCV002547220.3), dbSNP rs758774696, ClinGen allele CA052312.

ClinVar aggregate classification (germline): Uncertain significance (1 of 4 stars; one submission).

Conditions:
Inborn genetic diseases. Identifiers: MedGen C0950123, MeSH D030342.

Allele frequency attached by ClinVar (database versions not stated): ExAC 0.00001; gnomAD 0.00001; TOPMed 0.00001.

Submission:

Ambry Genetics
Classification: Uncertain significance for Inborn genetic diseases. Last evaluated: 2026-07-19. Review status: criteria provided, single submitter. Criteria: Ambry Variant Classification Scheme 2023. Collection method: clinical testing. Allele origin: germline.
Comment: The c.1006C>T (p.P336S) alteration is located in exon 11 (coding exon 11) of the RYR1 gene. This alteration results from a C to T substitution at nucleotide position 1006, causing the proline (P) at amino acid position 336 to be replaced by a serine (S). Based on data from gnomAD, the T allele has an overall frequency of <0.001% (1/251446) total alleles studied. The highest observed frequency was 0.006% (1/16254) of African alleles. Based on insufficient or conflicting evidence, the clinical significance of this alteration remains unclear.